The following is an entry in ClinVar:

ClinVar aggregate classification (germline): Uncertain significance (1 of 4 stars; one submission).

Conditions:
Familial adenomatous polyposis 1 (FAP1). Also called: FAMILIAL ADENOMATOUS POLYPOSIS 1, ATTENUATED; POLYPOSIS, ADENOMATOUS INTESTINAL. Identifiers: MedGen C2713442, MONDO:0021056, OMIM 175100. Disease mechanism: loss of function.

Allele frequency attached by ClinVar (database versions not stated): ExAC 0.00016; gnomAD 0.00001; gnomAD exomes 0.00003.
gnomAD v4.1: 11 of 1,370,502 alleles (0.0008%); highest among the groups gnomAD compares: South Asian, 0.013%; no homozygotes.

Submission:

Labcorp Genetics (formerly Invitae), Labcorp
Classification: Uncertain significance for Familial adenomatous polyposis 1. Last evaluated: 2025-03-30. Review status: criteria provided, single submitter. Criteria: Invitae Variant Classification Sherloc (09022015). Collection method: clinical testing. Allele origin: germline.
Comment: This variant occurs in a non-coding region of the APC gene. It does not change the encoded amino acid sequence of the APC protein. This variant is present in population databases (rs763659488, gnomAD 0.02%). This variant has not been reported in the literature in individuals affected with APC-related conditions. Experimental studies and prediction algorithms are not available or were not evaluated, and the functional significance of this variant is currently unknown. In summary, the available evidence is currently insufficient to determine the role of this variant in disease. Therefore, it has been classified as a Variant of Uncertain Significance.

NM_001127511.3(APC):c.102C>G (p.Val34=)

Gene: APC (APC regulator of Wnt signaling pathway; plus strand). Cytogenetic location: 5q22.2.
Variant type: single nucleotide variant.
Coding change: c.102C>G on transcript NM_001127511.3; coding-DNA position 102, C replaced by G.
Protein change: p.Val34=; no amino-acid change (valine 34 retained).
Molecular consequence: synonymous variant. On other transcripts: 5 prime UTR variant (8), non-coding transcript variant (1), intron variant (5).
Genome position (GRCh38, 1-based): chr5:112,707,819, C>G. VCF-style: chr5-112707819-C-G. GRCh37 (hg19) VCF-style: chr5-112043516-C-G.
Other names: c.-82C>G (NM_001354895.2, NM_001407447.1, NM_001407452.1 and 3 more transcripts); c.102C>G, p.Val34= (NM_001354897.2, NM_001354902.2, NM_001407446.1); c.-1117C>G (NM_001407470.1, NM_001407472.1); c.-19+170C>G (NM_001407448.1, NM_001407450.1, NM_001407457.1 and 1 more transcripts); c.-43+170C>G (NM_001407453.1).
Identifiers: ClinVar variation 1044100 (VCV001044100.8), dbSNP rs763659488, ClinGen allele CA053244.